The following is an entry in ClinVar:

NM_001080.3(ALDH5A1):c.1243C>A (p.Leu415Ile)

Gene: ALDH5A1 (aldehyde dehydrogenase 5 family member A1; plus strand). Cytogenetic location: 6p22.3.
Variant type: single nucleotide variant.
Coding change: c.1243C>A on transcript NM_001080.3 (MANE Select); coding-DNA position 1243, C replaced by A.
Protein change: p.Leu415Ile; replaces leucine 415 with isoleucine.
Molecular consequence: missense variant.
Genome position (GRCh38, 1-based): chr6:24,528,066, C>A. VCF-style: chr6-24528066-C-A. GRCh37 (hg19) VCF-style: chr6-24528294-C-A.
Other names: c.1099C>A, p.Leu367Ile (NM_001368954.1); c.1282C>A, p.Leu428Ile (NM_170740.1); short protein forms L415I, L367I, L428I.
Identifiers: ClinVar variation 659793 (VCV000659793.8), dbSNP rs1581824124, ClinGen allele CA362978341.
Genomic context (GRCh38, chr6:24,528,066, plus strand): 5'-CAGGTGAATGATGCCGTTTCTAAAGGTGCCACCGTTGTGACAGGTGGAAAACGACACCAA[C>A]TTGGAAAAAATTTCTTTGAGCCTACCCTGCTGTGCAATGTCACCCAGGACATGCTGTGCA-3'
Protein context (NP_001071.1, residues 405-425): TVVTGGKRHQ[Leu415Ile]GKNFFEPTLL

ClinVar aggregate classification (germline): Uncertain significance (1 of 4 stars; one submission).

Conditions:
Succinate-semialdehyde dehydrogenase deficiency (SSADHD). Also called: SSADH DEFICIENCY; 4-HYDROXYBUTYRIC ACIDURIA; GABA METABOLIC DEFECT; Succinic Semialdehyde Dehydrogenase Deficiency. Identifiers: Orphanet 22, MedGen C0268631, MONDO:0010083, OMIM 271980.

Submission:

Labcorp Genetics (formerly Invitae), Labcorp
Classification: Uncertain significance for Succinate-semialdehyde dehydrogenase deficiency. Last evaluated: 2022-07-26. Review status: criteria provided, single submitter. Criteria: Invitae Variant Classification Sherloc (09022015). Collection method: clinical testing. Allele origin: germline.
Comment: This sequence change replaces leucine, which is neutral and non-polar, with isoleucine, which is neutral and non-polar, at codon 415 of the ALDH5A1 protein (p.Leu415Ile). This variant is not present in population databases (gnomAD no frequency). This variant has not been reported in the literature in individuals affected with ALDH5A1-related conditions. ClinVar contains an entry for this variant (Variation ID: 659793). Advanced modeling of protein sequence and biophysical properties (such as structural, functional, and spatial information, amino acid conservation, physicochemical variation, residue mobility, and thermodynamic stability) performed at Invitae indicates that this missense variant is not expected to disrupt ALDH5A1 protein function. In summary, the available evidence is currently insufficient to determine the role of this variant in disease. Therefore, it has been classified as a Variant of Uncertain Significance.